The following is an entry in ClinVar:

ClinVar aggregate classification (germline): Uncertain significance. Review status: criteria provided, multiple submitters, no conflicts (2 of 4 stars). 2 submissions from 2 submitters: Uncertain significance (2). Last evaluated 2025-08-27.

Conditions:
Hypertrophic cardiomyopathy 19. Also called: Familial hypertrophic cardiomyopathy 19. Identifiers: MedGen CN077603, MONDO:0013476.

Submissions (2):

Labcorp Genetics (formerly Invitae), Labcorp
Classification: Uncertain significance for Hypertrophic cardiomyopathy 19. Last evaluated: 2025-08-27. Review status: criteria provided, single submitter. Criteria: Invitae Variant Classification Sherloc (09022015). Collection method: clinical testing. Allele origin: germline.
Comment: This sequence change replaces aspartic acid, which is acidic and polar, with histidine, which is basic and polar, at codon 242 of the CALR3 protein (p.Asp242His). This variant is not present in population databases (gnomAD no frequency). This variant has not been reported in the literature in individuals affected with CALR3-related conditions. ClinVar contains an entry for this variant (Variation ID: 1948948). Invitae Evidence Modeling of protein sequence and biophysical properties (such as structural, functional, and spatial information, amino acid conservation, physicochemical variation, residue mobility, and thermodynamic stability) indicates that this missense variant is not expected to disrupt CALR3 protein function with a negative predictive value of 80%. In summary, the available evidence is currently insufficient to determine the role of this variant in disease. Therefore, it has been classified as a Variant of Uncertain Significance.

Ambry Genetics
Classification: Uncertain significance. Last evaluated: 2025-07-15. Review status: criteria provided, single submitter. Criteria: Ambry Variant Classification Scheme 2023. Collection method: clinical testing. Allele origin: germline.

NM_145046.5(CALR3):c.724G>C (p.Asp242His)

Gene: CALR3 (calreticulin 3; minus strand). Cytogenetic location: 19p13.11.
Variant type: single nucleotide variant.
Coding change: c.724G>C on transcript NM_145046.5 (MANE Select); coding-DNA position 724, G replaced by C.
Protein change: p.Asp242His; replaces aspartic acid 242 with histidine.
Molecular consequence: missense variant.
Genome position (GRCh38, 1-based): chr19:16,482,740, C>G on the plus strand (G>C on the coding strand, the complement: CALR3 is on the minus strand). VCF-style: chr19-16482740-C-G. GRCh37 (hg19) VCF-style: chr19-16593551-C-G.
Other names: c.724G>C (NM_145046.3); short protein forms D242H.
Identifiers: ClinVar variation 1948948 (VCV001948948.6), dbSNP rs146669521, ClinGen allele CA404608326.